The following is an entry in ClinVar:

NM_152296.5(ATP1A3):c.1186C>G (p.Gln396Glu)

Gene: ATP1A3 (ATPase Na+/K+ transporting subunit alpha 3; minus strand). Cytogenetic location: 19q13.2.
Variant type: single nucleotide variant.
Coding change: c.1186C>G on transcript NM_152296.5 (MANE Select); coding-DNA position 1186, C replaced by G.
Protein change: p.Gln396Glu; replaces glutamine 396 with glutamic acid.
Molecular consequence: missense variant.
Genome position (GRCh38, 1-based): chr19:41,981,914, G>C on the plus strand (C>G on the coding strand, the complement: ATP1A3 is on the minus strand). VCF-style: chr19-41981914-G-C. GRCh37 (hg19) VCF-style: chr19-42486066-G-C.
Other names: c.1219C>G, p.Gln407Glu (NM_001256213.2); c.1225C>G, p.Gln409Glu (NM_001256214.2); c.1186C>G (NM_152296.4); short protein forms Q407E, Q396E, Q409E.
Identifiers: ClinVar variation 2706802 (VCV002706802.4), dbSNP rs2514066296, ClinGen allele CA406050708.

ClinVar aggregate classification (germline): Uncertain significance. Review status: criteria provided, multiple submitters, no conflicts (2 of 4 stars). 2 submissions from 2 submitters: Uncertain significance (2). Last evaluated 2024-10-23.

Conditions:
Dystonia 12 (DYT12). Also called: DYT-ATP1A3; Rapid-Onset Dystonia-Parkinsonism (RDP). Identifiers: Orphanet 71517, MedGen C1868681, MONDO:0007496, OMIM 128235.

Submissions (2):

Labcorp Genetics (formerly Invitae), Labcorp
Classification: Uncertain significance for Dystonia 12. Last evaluated: 2024-10-23. Review status: criteria provided, single submitter. Criteria: Invitae Variant Classification Sherloc (09022015). Collection method: clinical testing. Allele origin: germline.
Comment: This sequence change replaces glutamine, which is neutral and polar, with glutamic acid, which is acidic and polar, at codon 396 of the ATP1A3 protein (p.Gln396Glu). This variant is not present in population databases (gnomAD no frequency). This variant has not been reported in the literature in individuals affected with ATP1A3-related conditions. Invitae Evidence Modeling of protein sequence and biophysical properties (such as structural, functional, and spatial information, amino acid conservation, physicochemical variation, residue mobility, and thermodynamic stability) has been performed for this missense variant. However, the output from this modeling did not meet the statistical confidence thresholds required to predict the impact of this variant on ATP1A3 protein function. In summary, the available evidence is currently insufficient to determine the role of this variant in disease. Therefore, it has been classified as a Variant of Uncertain Significance.

GeneDx
Classification: Uncertain significance. Last evaluated: 2024-10-07. Review status: criteria provided, single submitter. Criteria: GeneDx Variant Classification Process June 2021. Collection method: clinical testing. Allele origin: germline. Affected: yes.
Comment: Not observed at significant frequency in large population cohorts (gnomAD); In silico analysis indicates that this missense variant does not alter protein structure/function; Has not been previously published as pathogenic or benign to our knowledge